The following is an entry in ClinVar:

NM_001374353.1(GLI2):c.31G>C (p.Glu11Gln)

Gene: GLI2 (GLI family zinc finger 2; plus strand). Cytogenetic location: 2q14.2.
Variant type: single nucleotide variant.
Coding change: c.31G>C on transcript NM_001374353.1 (MANE Select); coding-DNA position 31, G replaced by C.
Protein change: p.Glu11Gln; replaces glutamic acid 11 with glutamine.
Molecular consequence: missense variant. On other transcripts: 5 prime UTR variant (1).
Genome position (GRCh38, 1-based): chr2:120,797,351, G>C. VCF-style: chr2-120797351-G-C. GRCh37 (hg19) VCF-style: chr2-121554927-G-C.
Other names: c.31G>C, p.Glu11Gln (NM_001371271.1, NM_005270.5); c.-239G>C (NM_001374354.1); short protein forms E11Q.
Identifiers: ClinVar variation 2636639 (VCV002636639.1), dbSNP rs574656730, ClinGen allele CA348196533.

ClinVar aggregate classification (germline): Uncertain significance (1 of 4 stars; one submission).

Conditions:
GLI2-related disorder. Also called: GLI2-related disorders; GLI2-related condition.

Submission:

PreventionGenetics, part of Exact Sciences
Classification: Uncertain significance for GLI2-related condition. Last evaluated: 2023-03-09. Review status: criteria provided, single submitter. Criteria: ACMG Guidelines, 2015. Collection method: clinical testing. Allele origin: germline.
Comment: The GLI2 c.31G>C variant is predicted to result in the amino acid substitution p.Glu11Gln. To our knowledge, this variant has not been reported in the literature or in a large population database, indicating this variant is rare. At this time, the clinical significance of this variant is uncertain due to the absence of conclusive functional and genetic evidence.